The following is an entry in ClinVar:

NM_015466.4(PTPN23):c.3164del (p.Pro1055fs)

Gene: PTPN23 (protein tyrosine phosphatase non-receptor type 23; plus strand). Cytogenetic location: 3p21.31.
Variant type: Deletion.
Coding change: c.3164del on transcript NM_015466.4 (MANE Select); coding-DNA position 3164, one base deleted (C; older notation c.3164delC).
Protein change: p.Pro1055fs; shifts the reading frame from proline 1055.
Molecular consequence: frameshift variant.
Genome position (GRCh38, 1-based): chr3:47,410,962, C deleted; the last of 4 consecutive C bases (chr3:47,410,959-47,410,962); deleting any one gives the same sequence. VCF-style (leftmost placement, unchanged base first): chr3-47410958-GC-G. GRCh37 (hg19) VCF-style: chr3-47452448-GC-G.
Other names: c.2786del, p.Pro929fs (NM_001304482.2); short protein forms P1055fs, P929fs.
Identifiers: ClinVar variation 2699193 (VCV002699193.3), dbSNP rs2546252750, ClinGen allele CA2697550948.

ClinVar aggregate classification (germline): Pathogenic (1 of 4 stars; one submission).

Submission:

Labcorp Genetics (formerly Invitae), Labcorp
Classification: Pathogenic. Last evaluated: 2023-11-27. Review status: criteria provided, single submitter. Criteria: Invitae Variant Classification Sherloc (09022015). Collection method: clinical testing. Allele origin: germline.
Comment: This sequence change creates a premature translational stop signal (p.Pro1055Leufs*105) in the PTPN23 gene. It is expected to result in an absent or disrupted protein product. Loss-of-function variants in PTPN23 are known to be pathogenic (PMID: 29090338, 29899372). This variant is not present in population databases (gnomAD no frequency). This variant has not been reported in the literature in individuals affected with PTPN23-related conditions. For these reasons, this variant has been classified as Pathogenic.

Literature cited by the submitters: PubMed 29090338; PubMed 29899372.